The following is an entry in ClinVar:

NM_004168.4(SDHA):c.994C>G (p.Pro332Ala)

Gene: SDHA (succinate dehydrogenase complex flavoprotein subunit A; plus strand). Cytogenetic location: 5p15.33.
Variant type: single nucleotide variant.
Coding change: c.994C>G on transcript NM_004168.4 (MANE Select); coding-DNA position 994, C replaced by G.
Protein change: p.Pro332Ala; replaces proline 332 with alanine.
Molecular consequence: missense variant.
Genome position (GRCh38, 1-based): chr5:233,575, C>G. VCF-style: chr5-233575-C-G. GRCh37 (hg19) VCF-style: chr5-233690-C-G.
Other names: c.850C>G, p.Pro284Ala (NM_001294332.2); c.994C>G, p.Pro332Ala (NM_001330758.2); short protein forms P332A, P284A.
Identifiers: ClinVar variation 212144 (VCV000212144.26), dbSNP rs373509391, ClinGen allele CA208608.

ClinVar aggregate classification (germline): Uncertain significance. Review status: criteria provided, multiple submitters, no conflicts (2 of 4 stars). 6 submissions from 6 submitters: Uncertain significance (6). Last evaluated 2026-01-26.

Conditions:
Hereditary cancer-predisposing syndrome. Also called: Hereditary Cancer Syndrome; Hereditary neoplastic syndrome; Neoplastic Syndromes, Hereditary; Tumor predisposition. Identifiers: Orphanet 140162, MedGen C0027672, MeSH D009386, MONDO:0015356.
Mitochondrial complex II deficiency, nuclear type 1. Also called: SUCCINATE CoQ REDUCTASE DEFICIENCY. Identifiers: Orphanet 3208, MedGen C5700310, MONDO:0100294, OMIM 252011.
Pheochromocytoma/paraganglioma syndrome 5. Also called: Paragangliomas 5; SDHA-Related Hereditary Paraganglioma-Pheochromocytoma Syndrome. Identifiers: Orphanet 29072, MedGen C3279992, MONDO:0013602, OMIM 614165.
Dilated cardiomyopathy 1GG (CMD1GG). Identifiers: Orphanet 154, MedGen C3150898, MONDO:0013339, OMIM 613642.

Allele frequency attached by ClinVar (database versions not stated): ExAC 0.00002; gnomAD exomes 0.00003; TOPMed 0.00005; gnomAD 0.00006; ESP Exome Variant Server 0.00008.
gnomAD v4.1: 16 of 1,614,072 alleles (0.00099%); highest among the groups gnomAD compares: African/African-American, 0.021%; no homozygotes.

Submissions (6):

Labcorp Genetics (formerly Invitae), Labcorp
Classification: Uncertain significance for Pheochromocytoma/paraganglioma syndrome 5; Mitochondrial complex II deficiency, nuclear type 1. Last evaluated: 2026-01-26. Review status: criteria provided, single submitter. Criteria: Invitae Variant Classification Sherloc (09022015). Collection method: clinical testing. Allele origin: germline.
Comment: This sequence change replaces proline, which is neutral and non-polar, with alanine, which is neutral and non-polar, at codon 332 of the SDHA protein (p.Pro332Ala). This variant is present in population databases (rs373509391, gnomAD 0.05%). This variant has not been reported in the literature in individuals affected with SDHA-related conditions. ClinVar contains an entry for this variant (Variation ID: 212144). Invitae Evidence Modeling of protein sequence and biophysical properties (such as structural, functional, and spatial information, amino acid conservation, physicochemical variation, residue mobility, and thermodynamic stability) indicates that this missense variant is not expected to disrupt SDHA protein function with a negative predictive value of 95%. In summary, the available evidence is currently insufficient to determine the role of this variant in disease. Therefore, it has been classified as a Variant of Uncertain Significance.

Ambry Genetics
Classification: Uncertain significance for Hereditary cancer-predisposing syndrome. Last evaluated: 2025-07-15. Review status: criteria provided, single submitter. Criteria: Ambry Variant Classification Scheme 2023. Collection method: clinical testing. Allele origin: germline.
Comment: The p.P332A variant (also known as c.994C>G), located in coding exon 8 of the SDHA gene, results from a C to G substitution at nucleotide position 994. The proline at codon 332 is replaced by alanine, an amino acid with highly similar properties. This amino acid position is highly conserved in available vertebrate species. In addition, the in silico prediction for this alteration is inconclusive. Based on the available evidence, the clinical significance of this variant remains unclear.

GeneDx
Classification: Uncertain significance. Last evaluated: 2024-04-19. Review status: criteria provided, single submitter. Criteria: GeneDx Variant Classification Process June 2021. Collection method: clinical testing. Allele origin: germline. Affected: yes.
Comment: In silico analysis supports that this missense variant has a deleterious effect on protein structure/function; Has not been previously published as pathogenic or benign to our knowledge; This variant is associated with the following publications: (PMID: 31666924)

Quest Diagnostics Nichols Institute San Juan Capistrano
Classification: Uncertain significance. Last evaluated: 2024-02-26. Review status: criteria provided, single submitter. Criteria: Quest Diagnostics criteria. Collection method: clinical testing. Allele origin: unknown.
Comment: The SDHA c.994C>G (p.Pro332Ala) variant has not been reported in individuals with SDHA-related conditions in the published literature. The frequency of this variant in the general population, 0.00044 (11/24964 chromosomes in African/African American subpopulation (Genome Aggregation Database)), is higher than would generally be expected for pathogenic variants in this gene. Analysis of this variant using bioinformatics tools for the prediction of the effect of amino acid changes on protein structure and function yielded conflicting predictions that this variant is deleterious or benign. Based on the available information, we are unable to determine the clinical significance of this variant.

Baylor Genetics
Classification: Uncertain significance for Dilated cardiomyopathy 1GG. Last evaluated: 2023-05-13. Review status: criteria provided, single submitter. Criteria: ACMG Guidelines, 2015. Collection method: clinical testing. Allele origin: unknown.

Genetic Services Laboratory, University of Chicago
Classification: Uncertain significance. Last evaluated: 2015-07-14. Review status: criteria provided, single submitter. Criteria: ACMG Guidelines, 2015. Collection method: clinical testing. Allele origin: germline.